The following is an entry in ClinVar:

NM_152649.4(MLKL):c.1325G>A (p.Arg442Gln)

Gene: MLKL (mixed lineage kinase domain like pseudokinase; minus strand). Cytogenetic location: 16q23.1.
Variant type: single nucleotide variant.
Coding change: c.1325G>A on transcript NM_152649.4 (MANE Select); coding-DNA position 1325, G replaced by A.
Protein change: p.Arg442Gln; replaces arginine 442 with glutamine.
Molecular consequence: missense variant.
Genome position (GRCh38, 1-based): chr16:74,675,016, C>T on the plus strand (G>A on the coding strand, the complement: MLKL is on the minus strand). VCF-style: chr16-74675016-C-T. GRCh37 (hg19) VCF-style: chr16-74708914-C-T.
Other names: c.701G>A, p.Arg234Gln (NM_001142497.3); short protein forms R234Q, R442Q.
Identifiers: ClinVar variation 2646861 (VCV002646861.24), dbSNP rs200915860, ClinGen allele CA8169747.

ClinVar aggregate classification (germline): Uncertain significance (1 of 4 stars; one submission).

Allele frequency attached by ClinVar (database versions not stated): gnomAD 0.00003; ExAC 0.00004; gnomAD exomes 0.00004; TOPMed 0.00007; ESP Exome Variant Server 0.00008.
gnomAD v4.1: 61 of 1,614,060 alleles (0.0038%); highest among the groups gnomAD compares: Middle Eastern, 0.016%; no homozygotes.

Submission:

CeGaT Center for Human Genetics Tuebingen
Classification: Uncertain significance. Last evaluated: 2022-06-01. Review status: criteria provided, single submitter. Criteria: CeGaT Center For Human Genetics Tuebingen Variant Classification Criteria Version 2. Collection method: clinical testing. Allele origin: germline. Affected: yes. Observed: 1 variant allele.
Comment: MLKL: PM2, BP4